The following is an entry in ClinVar:

NM_022725.4(FANCF):c.137G>A (p.Arg46Gln)

Gene: FANCF (FA complementation group F; minus strand). Cytogenetic location: 11p14.3.
Variant type: single nucleotide variant.
Coding change: c.137G>A on transcript NM_022725.4 (MANE Select); coding-DNA position 137, G replaced by A.
Protein change: p.Arg46Gln; replaces arginine 46 with glutamine.
Molecular consequence: missense variant.
Genome position (GRCh38, 1-based): chr11:22,625,674, C>T on the plus strand (G>A on the coding strand, the complement: FANCF is on the minus strand). VCF-style: chr11-22625674-C-T. GRCh37 (hg19) VCF-style: chr11-22647220-C-T.
Other names: short protein forms R46Q.
Identifiers: ClinVar variation 2148027 (VCV002148027.4), dbSNP rs1858636545, ClinGen allele CA380059630.

ClinVar aggregate classification (germline): Uncertain significance (1 of 4 stars; one submission).

Conditions:
Fanconi anemia (FA). Also called: Fanconi's anemia. Identifiers: Orphanet 84, MedGen C0015625, MeSH D005199, MONDO:0019391.

Submission:

Labcorp Genetics (formerly Invitae), Labcorp
Classification: Uncertain significance for Fanconi anemia. Last evaluated: 2022-10-04. Review status: criteria provided, single submitter. Criteria: Invitae Variant Classification Sherloc (09022015). Collection method: clinical testing. Allele origin: germline.
Comment: In summary, the available evidence is currently insufficient to determine the role of this variant in disease. Therefore, it has been classified as a Variant of Uncertain Significance. Advanced modeling of protein sequence and biophysical properties (such as structural, functional, and spatial information, amino acid conservation, physicochemical variation, residue mobility, and thermodynamic stability) performed at Invitae indicates that this missense variant is not expected to disrupt FANCF protein function. This variant has not been reported in the literature in individuals affected with FANCF-related conditions. This variant is not present in population databases (gnomAD no frequency). This sequence change replaces arginine, which is basic and polar, with glutamine, which is neutral and polar, at codon 46 of the FANCF protein (p.Arg46Gln).